The following is an entry in ClinVar:

NM_181426.2(CCDC39):c.1621G>A (p.Asp541Asn)

Gene: CCDC39 (coiled-coil domain 39 molecular ruler complex subunit; minus strand). Cytogenetic location: 3q26.33.
Variant type: single nucleotide variant.
Coding change: c.1621G>A on transcript NM_181426.2 (MANE Select); coding-DNA position 1621, G replaced by A.
Protein change: p.Asp541Asn; replaces aspartic acid 541 with asparagine.
Molecular consequence: missense variant.
Genome position (GRCh38, 1-based): chr3:180,644,164, C>T on the plus strand (G>A on the coding strand, the complement: CCDC39 is on the minus strand). VCF-style: chr3-180644164-C-T. GRCh37 (hg19) VCF-style: chr3-180361952-C-T.
Other names: short protein forms D541N.
Identifiers: ClinVar variation 1372716 (VCV001372716.5), dbSNP rs764908281, ClinGen allele CA2715910.
Genomic context (GRCh38, chr3:180,644,164, plus strand): 5'-TACAATTTTACTGCACCTGCTTAAAACCTTTGGCTTTATCAAGTTCTTTCTCTGATCTGT[C>T]GATGAAAAGGTTTAGTTCATTTATTTTGGTCATAAGGGACTGTTTTTCATCACTGTTTTT-3'
Protein context (NP_852091.1, residues 531-551): TKINELNLFI[Asp541Asn]RSEKELDKAK

ClinVar aggregate classification (germline): Uncertain significance (1 of 4 stars; one submission).

Conditions:
Primary ciliary dyskinesia. Also called: Ciliary dyskinesia. Identifiers: Orphanet 244, MedGen C0008780, MONDO:0016575, HP:0012265.

gnomAD v4.1: 23 of 1,543,718 alleles (0.0015%); highest among the groups gnomAD compares: Middle Eastern, 0.083%; no homozygotes.

Submission:

Labcorp Genetics (formerly Invitae), Labcorp
Classification: Uncertain significance for Primary ciliary dyskinesia. Last evaluated: 2021-09-01. Review status: criteria provided, single submitter. Criteria: Invitae Variant Classification Sherloc (09022015). Collection method: clinical testing. Allele origin: germline.
Comment: This sequence change replaces aspartic acid with asparagine at codon 541 of the CCDC39 protein (p.Asp541Asn). The aspartic acid residue is moderately conserved and there is a small physicochemical difference between aspartic acid and asparagine. This variant is present in population databases (rs764908281, ExAC 0.01%). This variant has not been reported in the literature in individuals affected with CCDC39-related conditions. Algorithms developed to predict the effect of missense changes on protein structure and function output the following: SIFT: "Tolerated"; PolyPhen-2: "Benign"; Align-GVGD: "Class C0". The asparagine amino acid residue is found in multiple mammalian species, which suggests that this missense change does not adversely affect protein function. In summary, the available evidence is currently insufficient to determine the role of this variant in disease. Therefore, it has been classified as a Variant of Uncertain Significance.